The following is an entry in ClinVar:

NM_016580.4(PCDH12):c.2578C>T (p.Arg860Trp)

Genes: PCDH12 (protocadherin 12; minus strand), RNF14 (ring finger protein 14; plus strand). Cytogenetic location: 5q31.3.
Variant type: single nucleotide variant.
Coding change: c.2578C>T on transcript NM_016580.4 (MANE Select); coding-DNA position 2578, C replaced by T.
Protein change: p.Arg860Trp; replaces arginine 860 with tryptophan.
Molecular consequence: missense variant.
Genome position (GRCh38, 1-based): chr5:141,955,274, G>A on the plus strand (C>T on the coding strand, the complement: PCDH12 is on the minus strand). VCF-style: chr5-141955274-G-A. GRCh37 (hg19) VCF-style: chr5-141334839-G-A.
Other names: c.2578C>T (NM_016580.2); short protein forms R860W.
Identifiers: ClinVar variation 1438981 (VCV001438981.7), dbSNP rs760027626, ClinGen allele CA3484186.

ClinVar aggregate classification (germline): Uncertain significance. Review status: criteria provided, multiple submitters, no conflicts (2 of 4 stars). 2 submissions from 2 submitters: Uncertain significance (2). Last evaluated 2024-11-11.

Conditions:
Inborn genetic diseases. Identifiers: MedGen C0950123, MeSH D030342.

Allele frequency attached by ClinVar (database versions not stated): gnomAD 0.00001; ExAC 0.00003; gnomAD exomes 0.00003.
gnomAD v4.1: 30 of 1,614,066 alleles (0.0019%); highest among the groups gnomAD compares: Middle Eastern, 0.016%; no homozygotes.

Submissions (2):

Ambry Genetics
Classification: Uncertain significance for Inborn genetic diseases. Last evaluated: 2024-11-11. Review status: criteria provided, single submitter. Criteria: Ambry Variant Classification Scheme 2023. Collection method: clinical testing. Allele origin: germline.

Labcorp Genetics (formerly Invitae), Labcorp
Classification: Uncertain significance. Last evaluated: 2023-12-18. Review status: criteria provided, single submitter. Criteria: Invitae Variant Classification Sherloc (09022015). Collection method: clinical testing. Allele origin: germline.
Comment: This sequence change replaces arginine, which is basic and polar, with tryptophan, which is neutral and slightly polar, at codon 860 of the PCDH12 protein (p.Arg860Trp). This variant is present in population databases (rs760027626, gnomAD 0.01%). This variant has not been reported in the literature in individuals affected with PCDH12-related conditions. ClinVar contains an entry for this variant (Variation ID: 1438981). Advanced modeling of protein sequence and biophysical properties (such as structural, functional, and spatial information, amino acid conservation, physicochemical variation, residue mobility, and thermodynamic stability) performed at Invitae indicates that this missense variant is not expected to disrupt PCDH12 protein function with a negative predictive value of 95%. In summary, the available evidence is currently insufficient to determine the role of this variant in disease. Therefore, it has been classified as a Variant of Uncertain Significance.